The following is an entry in ClinVar:

NM_001793.6(CDH3):c.410G>A (p.Arg137Lys)

Gene: CDH3 (cadherin 3; plus strand). Cytogenetic location: 16q22.1.
Variant type: single nucleotide variant.
Coding change: c.410G>A on transcript NM_001793.6 (MANE Select); coding-DNA position 410, G replaced by A.
Protein change: p.Arg137Lys; replaces arginine 137 with lysine.
Molecular consequence: missense variant.
Genome position (GRCh38, 1-based): chr16:68,678,520, G>A. VCF-style: chr16-68678520-G-A. GRCh37 (hg19) VCF-style: chr16-68712423-G-A.
Other names: c.410G>A, p.Arg137Lys (NM_001317195.3); c.245G>A, p.Arg82Lys (NM_001317196.2); short protein forms R137K, R82K.
Identifiers: ClinVar variation 373393 (VCV000373393.7), dbSNP rs200737028, ClinGen allele CA8129030.

ClinVar aggregate classification (germline): Uncertain significance. Review status: criteria provided, multiple submitters, no conflicts (2 of 4 stars). 4 submissions from 4 submitters: Uncertain significance (4). Last evaluated 2025-05-17.

Conditions:
Inborn genetic diseases. Identifiers: MedGen C0950123, MeSH D030342.

Allele frequency attached by ClinVar (database versions not stated): gnomAD exomes 0.00009 and 0.00015; gnomAD 0.00010 and 0.00011; TOPMed 0.00010; ExAC 0.00014; ESP Exome Variant Server 0.00015; 1000 Genomes Project 30x 0.00016; 1000 Genomes Project 0.00020.
gnomAD v4.1: 151 of 1,614,222 alleles (0.0094%); highest among the groups gnomAD compares: Admixed American, 0.042%; no homozygotes.

Submissions (4):

Ambry Genetics
Classification: Uncertain significance for Inborn genetic diseases. Last evaluated: 2025-05-17. Review status: criteria provided, single submitter. Criteria: Ambry Variant Classification Scheme 2023. Collection method: clinical testing. Allele origin: germline.

Blueprint Genetics
Classification: Uncertain significance. Last evaluated: 2024-09-17. Review status: criteria provided, single submitter. Criteria: ACMG Guidelines, 2015. Collection method: clinical testing. Allele origin: germline.

Labcorp Genetics (formerly Invitae), Labcorp
Classification: Uncertain significance. Last evaluated: 2022-10-25. Review status: criteria provided, single submitter. Criteria: Invitae Variant Classification Sherloc (09022015). Collection method: clinical testing. Allele origin: germline.
Comment: This sequence change replaces arginine, which is basic and polar, with lysine, which is basic and polar, at codon 137 of the CDH3 protein (p.Arg137Lys). This variant is present in population databases (rs200737028, gnomAD 0.04%). This variant has not been reported in the literature in individuals affected with CDH3-related conditions. ClinVar contains an entry for this variant (Variation ID: 373393). Algorithms developed to predict the effect of missense changes on protein structure and function output the following: SIFT: "Not Available"; PolyPhen-2: "Benign"; Align-GVGD: "Not Available". The lysine amino acid residue is found in multiple mammalian species, which suggests that this missense change does not adversely affect protein function. In summary, the available evidence is currently insufficient to determine the role of this variant in disease. Therefore, it has been classified as a Variant of Uncertain Significance.

GeneDx
Classification: Uncertain significance. Last evaluated: 2016-11-22. Review status: criteria provided, single submitter. Criteria: GeneDx Variant Classification (06012015). Collection method: clinical testing. Allele origin: germline. Affected: yes.
Comment: The R137K variant in the CDH3 gene has not been reported previously as a pathogenic variant, nor as a benign variant, to our knowledge. The R137K variant was not observed with any significant frequency in approximately 6500 individuals of European and African American ancestry in the NHLBI Exome Sequencing Project, indicating it is not a common benign variant in these populations. The R137K variant is a conservative amino acid substitution, which is not likely to impact secondary protein structure as these residues share similar properties. In addition, this substitution occurs at a position that is not conserved across species. However, in silico analysis is inconsistent in its predictions as to whether or not the variant is damaging to the protein structure/function. We therefore interpret R137K as a variant of uncertain significance.